The following is an entry in ClinVar:

ClinVar aggregate classification (germline): Uncertain significance (1 of 4 stars; one submission).

Conditions:
Cardiovascular phenotype. Identifiers: MedGen CN230736.

gnomAD v4.1: 1 of 1,001,122 alleles (0.0001%); highest among the groups gnomAD compares: Non-Finnish European, 0.00014%; no homozygotes.

Submission:

Ambry Genetics
Classification: Uncertain significance for Cardiovascular phenotype. Last evaluated: 2023-09-28. Review status: criteria provided, single submitter. Criteria: Ambry Variant Classification Scheme 2023. Collection method: clinical testing. Allele origin: germline.
Comment: The p.I534T variant (also known as c.1601T>C), located in coding exon 28 of the TRDN gene, results from a T to C substitution at nucleotide position 1601. The isoleucine at codon 534 is replaced by threonine, an amino acid with similar properties. This amino acid position is conserved. In addition, this alteration is predicted to be tolerated by in silico analysis. Since supporting evidence is limited at this time, the clinical significance of this alteration remains unclear.

NM_006073.4(TRDN):c.1601T>C (p.Ile534Thr)

Gene: TRDN (triadin; minus strand). Cytogenetic location: 6q22.31.
Variant type: single nucleotide variant.
Coding change: c.1601T>C on transcript NM_006073.4 (MANE Select); coding-DNA position 1601, T replaced by C.
Protein change: p.Ile534Thr; replaces isoleucine 534 with threonine.
Molecular consequence: missense variant.
Genome position (GRCh38, 1-based): chr6:123,273,360, A>G on the plus strand (T>C on the coding strand, the complement: TRDN is on the minus strand). VCF-style: chr6-123273360-A-G. GRCh37 (hg19) VCF-style: chr6-123594505-A-G.
Other names: short protein forms I534T.
Identifiers: ClinVar variation 3225236 (VCV003225236.1), dbSNP rs926868398, ClinGen allele CA365565054.